The following is an entry in ClinVar:

NM_001276345.2(TNNT2):c.216G>A (p.Glu72=)

Gene: TNNT2 (troponin T2, cardiac type; minus strand). Cytogenetic location: 1q32.1.
Variant type: single nucleotide variant.
Coding change: c.216G>A on transcript NM_001276345.2 (MANE Select); coding-DNA position 216, G replaced by A.
Protein change: p.Glu72=; no amino-acid change (glutamic acid 72 retained).
Molecular consequence: synonymous variant.
Genome position (GRCh38, 1-based): chr1:201,366,855, C>T on the plus strand (G>A on the coding strand, the complement: TNNT2 is on the minus strand). VCF-style: chr1-201366855-C-T. GRCh37 (hg19) VCF-style: chr1-201335983-C-T.
Other names: c.216G>A, p.Glu72= (NM_000364.4); c.186G>A, p.Glu62= (NM_001001430.3, NM_001001431.3, NM_001276347.2); c.171G>A, p.Glu57= (NM_001001432.3); c.213G>A, p.Glu71= (NM_001276346.2).
Identifiers: ClinVar variation 1172173 (VCV001172173.7), dbSNP rs2102273980, ClinGen allele CA422532899.

ClinVar aggregate classification (germline): Likely benign. Review status: criteria provided, multiple submitters, no conflicts (2 of 4 stars). 7 submissions from 5 submitters: Likely benign (7). Last evaluated 2025-08-21.

Conditions:
Cardiovascular phenotype. Identifiers: MedGen CN230736.
Cardiomyopathy, familial restrictive, 3. Identifiers: Orphanet 75249, MedGen C2676271, MONDO:0012900, OMIM 612422.
Hypertrophic cardiomyopathy 2. Also called: TNNT2-Related Familial Hypertrophic Cardiomyopathy. Identifiers: MedGen C1861864, MONDO:0007266, OMIM 115195.
Dilated cardiomyopathy 1D. Identifiers: Orphanet 154, Orphanet 54260, MedGen C1832243, MONDO:0011095, OMIM 601494.
Cardiomyopathy (CMYO). Also called: Cardiomyopathies. Identifiers: Orphanet 167848, MedGen C0878544, MONDO:0004994, HP:0001638. Inheritance: Various modes of inheritance.

Allele frequency attached by ClinVar (database versions not stated): gnomAD exomes below 0.00001.
gnomAD v4.1: 3 of 1,614,176 alleles (0.00019%); highest among the groups gnomAD compares: Non-Finnish European, 0.00025%; no homozygotes.

Submissions (7):

Labcorp Genetics (formerly Invitae), Labcorp
Classification: Likely benign for Cardiomyopathy, familial restrictive, 3; Hypertrophic cardiomyopathy 2; Dilated cardiomyopathy 1D. Last evaluated: 2025-08-21. Review status: criteria provided, single submitter. Criteria: Invitae Variant Classification Sherloc (09022015). Collection method: clinical testing. Allele origin: germline.

All of Us Research Program, National Institutes of Health
Classification: Likely benign for Cardiomyopathy. Last evaluated: 2023-06-26. Review status: criteria provided, single submitter. Criteria: ACMG Guidelines, 2015. Collection method: clinical testing. Allele origin: germline. Inheritance: Autosomal dominant inheritance. Observed: 2 variant alleles, 2 heterozygotes.
Comment: This study involves interpretation of variants in research participants for the purpose of population health screening. Participant phenotype was not available at the time of variant classification. Additional details can be found in publication PMID: 35346344, PMCID: PMC8962531

Genome-Nilou Lab
Classification: Likely benign for Dilated cardiomyopathy 1D. Last evaluated: 2023-04-11. Review status: criteria provided, single submitter. Criteria: ACMG Guidelines, 2015. Collection method: clinical testing. Allele origin: germline. Affected: no.

Genome-Nilou Lab
Classification: Likely benign for Cardiomyopathy, familial restrictive, 3. Last evaluated: 2023-04-11. Review status: criteria provided, single submitter. Criteria: ACMG Guidelines, 2015. Collection method: clinical testing. Allele origin: germline. Affected: no.

Genome-Nilou Lab
Classification: Likely benign for Hypertrophic cardiomyopathy 2. Last evaluated: 2023-04-11. Review status: criteria provided, single submitter. Criteria: ACMG Guidelines, 2015. Collection method: clinical testing. Allele origin: germline. Affected: no.

Ambry Genetics
Classification: Likely benign for Cardiovascular phenotype. Last evaluated: 2022-12-01. Review status: criteria provided, single submitter. Criteria: Ambry Variant Classification Scheme 2023. Collection method: clinical testing. Allele origin: germline.

Color Diagnostics, LLC DBA Color Health
Classification: Likely benign for Cardiomyopathy. Last evaluated: 2021-01-12. Review status: criteria provided, single submitter. Criteria: ACMG Guidelines, 2015. Collection method: clinical testing. Allele origin: germline.